The following is an entry in ClinVar:

ClinVar aggregate classification (germline): Uncertain significance. Review status: criteria provided, multiple submitters, no conflicts (2 of 4 stars). 2 submissions from 2 submitters: Uncertain significance (2). Last evaluated 2026-09-02.

Conditions:
Colorectal cancer, hereditary nonpolyposis, type 7. Identifiers: Orphanet 144, MedGen C1858380, MONDO:0013725, OMIM 614385.

Submissions (2):

Ambry Genetics
Classification: Uncertain significance. Last evaluated: 2026-09-02. Review status: criteria provided, single submitter. Criteria: Ambry Variant Classification Scheme 2023. Collection method: clinical testing. Allele origin: germline.
Comment: The c.3405_3406delCGinsTC variant (also known as p.E1136Q), located in coding exon 3 of the MLH3 gene, results from an in-frame deletion of CG and insertion of TC at nucleotide positions 3405 to 3406. This results in the substitution of the glutamic acid residue for a glutamine residue at codon 1136, an amino acid with highly similar properties. This amino acid position is not well conserved in available vertebrate species. In addition, this alteration is predicted to be tolerated by in silico analysis. Based on the available evidence, the clinical significance of this variant remains unclear.

Labcorp Genetics (formerly Invitae), Labcorp
Classification: Uncertain significance for Colorectal cancer, hereditary nonpolyposis, type 7. Last evaluated: 2022-09-10. Review status: criteria provided, single submitter. Criteria: Invitae Variant Classification Sherloc (09022015). Collection method: clinical testing. Allele origin: germline.
Comment: Experimental studies and prediction algorithms are not available or were not evaluated, and the functional significance of this variant is currently unknown. This variant has not been reported in the literature in individuals affected with MLH3-related conditions. Information on the frequency of this variant in the gnomAD database is not available, as this variant may be reported differently in the database. This sequence change replaces glutamic acid, which is acidic and polar, with glutamine, which is neutral and polar, at codon 1136 of the MLH3 protein (p.Glu1136Gln). In summary, the available evidence is currently insufficient to determine the role of this variant in disease. Therefore, it has been classified as a Variant of Uncertain Significance.

NM_001040108.2(MLH3):c.3405_3406delinsTC (p.Glu1136Gln)

Gene: MLH3 (mutL homolog 3; minus strand). Cytogenetic location: 14q24.3.
Variant type: Indel.
Coding change: c.3405_3406delinsTC on transcript NM_001040108.2 (MANE Select); coding-DNA positions 3405 to 3406, CG replaced by TC.
Protein change: p.Glu1136Gln; replaces glutamic acid 1136 with glutamine.
Molecular consequence: missense variant.
Genome position (GRCh38, 1-based): chr14:75,041,674-75,041,675, CG replaced by GA on the plus strand (CG replaced by TC on the coding strand, the reverse complement: MLH3 is on the minus strand). VCF-style: chr14-75041674-CG-GA. GRCh37 (hg19) VCF-style: chr14-75508377-CG-GA.
Other names: c.3405_3406delinsTC, p.Glu1136Gln (NM_014381.3); short protein forms E1136Q.
Identifiers: ClinVar variation 2147718 (VCV002147718.5), dbSNP rs2503212771, ClinGen allele CA2580088751.
Genomic context (GRCh38, chr14:75,041,674, plus strand): 5'-CCTCTGGATAACGGGCAAATACTGGATTGTCCCATTCTGAGAACAAAGACTGAAGCGATT[CG>GA]CTACTAACAGTATCATCCACAGTATCTAGGGCAAAAGGGAACAGGTAAAGTTGGCATCCA-3'
Protein context (NP_001035197.1, residues 1126-1146): RDTVDDTVSS[Glu1136Gln]SLQSLFSEWD